The following is an entry in ClinVar:

NM_001177701.3(IFT27):c.299G>A (p.Cys100Tyr)

Genes: CACNG2-DT (CACNG2 divergent transcript; plus strand), IFT27 (intraflagellar transport 27; minus strand). Cytogenetic location: 22q12.3.
Variant type: single nucleotide variant.
Coding change: c.299G>A on transcript NM_001177701.3 (MANE Select); coding-DNA position 299, G replaced by A.
Protein change: p.Cys100Tyr; replaces cysteine 100 with tyrosine.
Molecular consequence: missense variant.
Genome position (GRCh38, 1-based): chr22:36,763,972, C>T on the plus strand (G>A on the coding strand, the complement: IFT27 is on the minus strand). VCF-style: chr22-36763972-C-T. GRCh37 (hg19) VCF-style: chr22-37160016-C-T.
Other names: c.299G>A, p.Cys100Tyr (NM_001363003.2); c.296G>A, p.Cys99Tyr (NM_006860.5); short protein forms C99Y, C100Y.
Identifiers: ClinVar variation 140462 (VCV000140462.5), dbSNP rs587777546, ClinGen allele CA163415.

ClinVar aggregate classification (germline): Pathogenic. Review status: criteria provided, single submitter (1 of 4 stars). 3 submissions from 3 submitters: Pathogenic (1). 2 of the submissions do not count toward it. Last evaluated 2023-11-09.

Conditions:
IFT27-related disorder. Also called: IFT27-related condition.
Bardet-Biedl syndrome 19 (BBS19). Identifiers: Orphanet 110, MedGen C3889475, MONDO:0014447, OMIM 615996.

Allele frequency attached by ClinVar (database versions not stated): TOPMed 0.00002; gnomAD exomes below 0.00001; gnomAD 0.00001.
gnomAD v4.1: 3 of 1,614,078 alleles (0.00019%); highest among the groups gnomAD compares: African/African-American, 0.0013%; no homozygotes.

Submissions (3):

Women's Health and Genetics/Laboratory Corporation of America, LabCorp
Classification: Pathogenic for Bardet-Biedl syndrome 19. Last evaluated: 2023-11-09. Review status: criteria provided, single submitter. Criteria: LabCorp Variant Classification Summary - May 2015. Collection method: clinical testing. Allele origin: germline.
Comment: Variant summary: IFT27 c.296G>A (p.Cys99Tyr) results in a non-conservative amino acid change located in the Small GTP-binding protein domain (IPR005225) of the encoded protein sequence. Five of five in-silico tools predict a damaging effect of the variant on protein function. The variant was absent in 251490 control chromosomes. c.296G>A has been reported in the literature as a biallelic homozygous genotype in at-least two individuals from one consanguineous family affected with Bardet-Biedl Syndrome 19 (example, Aldamesh_2014 cited by Shaheen_2016, Zhou_2022, Schaefer_2019). These data indicate that the variant is very likely to be associated with disease. To our knowledge, no experimental evidence demonstrating an impact on protein function has been reported. The following publications have been ascertained in the context of this evaluation (PMID: 24488770, 30761183, 27894351, 34888642). No submitters have cited clinical-significance assessments for this variant to ClinVar after 2014. Based on the evidence outlined above, the variant was classified as pathogenic.

PreventionGenetics, part of Exact Sciences
Classification: Likely pathogenic for IFT27-related condition. Last evaluated: 2024-05-28. Review status: no assertion criteria provided. Collection method: clinical testing. Allele origin: germline. Not counted in ClinVar's aggregate classification.
Comment: The IFT27 c.296G>A variant is predicted to result in the amino acid substitution p.Cys99Tyr. This variant has been reported in homozygous individuals with Bardet–Biedl syndrome (Aldahmesh et al. 2014. PubMed ID: 24488770; Table 1, Zhou et al. 2022. PubMed ID: 34888642). Functional analyses in a zebrafish model indicated that this variant is a loss-of-function allele (Aldahmesh et al. 2014. PubMed ID: 24488770). This variant has not been reported in a large population database, indicating this variant is rare. This variant is interpreted as likely pathogenic.

OMIM
Classification: Pathogenic for BARDET-BIEDL SYNDROME 19. Last evaluated: 2014-06-15. Review status: no assertion criteria provided. Collection method: literature only. Allele origin: germline. Not counted in ClinVar's aggregate classification.

Literature cited by the submitters: PubMed 24488770 (cited by Women's Health and Genetics/Laboratory Corporation of America, LabCorp and OMIM); PubMed 27894351 (cited by Women's Health and Genetics/Laboratory Corporation of America, LabCorp); PubMed 30761183 (cited by Women's Health and Genetics/Laboratory Corporation of America, LabCorp); PubMed 34888642 (cited by Women's Health and Genetics/Laboratory Corporation of America, LabCorp).